The following is an entry in ClinVar:

NM_000038.6(APC):c.2930G>C (p.Gly977Ala)

Gene: APC (APC regulator of Wnt signaling pathway; plus strand). Cytogenetic location: 5q22.2.
Variant type: single nucleotide variant.
Coding change: c.2930G>C on transcript NM_000038.6 (MANE Select); coding-DNA position 2930, G replaced by C.
Protein change: p.Gly977Ala; replaces glycine 977 with alanine.
Molecular consequence: missense variant.
Genome position (GRCh38, 1-based): chr5:112,838,524, G>C. VCF-style: chr5-112838524-G-C. GRCh37 (hg19) VCF-style: chr5-112174221-G-C.
Other names: c.2930G>C, p.Gly977Ala (NM_001127510.3, NM_001354895.2, NM_001407450.1); c.2876G>C, p.Gly959Ala (NM_001127511.3); c.2984G>C, p.Gly995Ala (NM_001354896.2, NM_001407447.1, NM_001407448.1 and 1 more transcripts); c.2960G>C, p.Gly987Ala (NM_001354897.2); c.2855G>C, p.Gly952Ala (NM_001354898.2); c.2846G>C, p.Gly949Ala (NM_001354899.2); c.2807G>C, p.Gly936Ala (NM_001354900.2); c.2753G>C, p.Gly918Ala (NM_001354901.2, NM_001407453.1); and 11 more; short protein forms G886A, G959A, G876A, G894A, G936A, G952A, G970A, G995A.
Identifiers: ClinVar variation 1797812 (VCV001797812.2), dbSNP rs749807999, ClinGen allele CA033985.

ClinVar aggregate classification (germline): Uncertain significance (1 of 4 stars; one submission).

Conditions:
Hereditary cancer-predisposing syndrome. Also called: Neoplastic Syndromes, Hereditary; Tumor predisposition; Hereditary Cancer Syndrome; Hereditary neoplastic syndrome. Identifiers: Orphanet 140162, MedGen C0027672, MeSH D009386, MONDO:0015356.

Allele frequency attached by ClinVar (database versions not stated): ExAC 0.00001.

Submission:

Ambry Genetics
Classification: Uncertain significance for Hereditary cancer-predisposing syndrome. Last evaluated: 2021-10-05. Review status: criteria provided, single submitter. Criteria: Ambry Variant Classification Scheme 2023. Collection method: clinical testing. Allele origin: germline.
Comment: The p.G977A variant (also known as c.2930G>C), located in coding exon 15 of the APC gene, results from a G to C substitution at nucleotide position 2930. The glycine at codon 977 is replaced by alanine, an amino acid with similar properties. In a study of whole-exome sequencing in patients with features of Cowden syndrome (CS) or Bannayan-Riley-Ruvalcaba syndrome (BRRS) and negative PTEN testing, this alteration was identified in 0/87 patients with CS or BRRS and 1/3476 patients from The Cancer Genome Atlas (TCGA) (Yehia L et al. PLoS Genet, 2018 04;14:e1007352). This amino acid position is highly conserved in available vertebrate species. In addition, in silico predictors for this gene do not accurately predict pathogenicity. Since supporting evidence is limited at this time, the clinical significance of this alteration remains unclear.

Literature cited by the submitters: PubMed 29684080.